The following is an entry in ClinVar:

ClinVar aggregate classification (germline): Uncertain significance (1 of 4 stars; one submission).

Conditions:
Factor VII deficiency. Also called: F7 DEFICIENCY; HYPOPROCONVERTINEMIA; Factor 7 deficiency. Identifiers: MedGen C0015503, MeSH D005168, MONDO:0002244.

Allele frequency attached by ClinVar (database versions not stated): gnomAD 0.00002; TOPMed 0.00003; gnomAD exomes 0.00004 and 0.00009; ExAC 0.00013.
gnomAD v4.1: 65 of 1,612,770 alleles (0.004%); highest among the groups gnomAD compares: Admixed American, 0.01%; no homozygotes.

Submission:

Illumina Laboratory Services, Illumina
Classification: Uncertain significance for Congenital factor VII deficiency. Last evaluated: 2017-04-28. Review status: criteria provided, single submitter. Criteria: ICSL Variant Classification Criteria 13 December 2019. Collection method: clinical testing. Allele origin: germline.
Comment: This variant was observed as part of a predisposition screen in an ostensibly healthy population. A literature search was performed for the gene, cDNA change, and amino acid change (where applicable). Publications were found based on this search. However, the evidence from the literature, in combination with allele frequency data from public databases where available, was not sufficient to rule this variant in or out of causing disease. Therefore, this variant is classified as a variant of unknown significance.

Literature cited by the submitters: PubMed 11129332.

NM_019616.4(F7):c.929C>T (p.Thr310Met)

Gene: F7 (coagulation factor VII; plus strand). Cytogenetic location: 13q34.
Variant type: single nucleotide variant.
Coding change: c.929C>T on transcript NM_019616.4 (MANE Select); coding-DNA position 929, C replaced by T.
Protein change: p.Thr310Met; replaces threonine 310 with methionine.
Molecular consequence: missense variant. On other transcripts: non-coding transcript variant (1).
Genome position (GRCh38, 1-based): chr13:113,118,602, C>T. VCF-style: chr13-113118602-C-T. GRCh37 (hg19) VCF-style: chr13-113772916-C-T.
Other names: c.995C>T, p.Thr332Met (NM_000131.5); c.743C>T, p.Thr248Met (NM_001267554.2); short protein forms T248M, T310M, T332M.
Identifiers: ClinVar variation 881852 (VCV000881852.4), dbSNP rs200212201, ClinGen allele CA7060188.